The following is an entry in ClinVar:

ClinVar aggregate classification (germline): Uncertain significance. Review status: criteria provided, multiple submitters, no conflicts (2 of 4 stars). 2 submissions from 2 submitters: Uncertain significance (2). Last evaluated 2025-04-22.

Conditions:
Cardiovascular phenotype. Identifiers: MedGen CN230736.
Hereditary cancer-predisposing syndrome. Also called: Hereditary neoplastic syndrome; Neoplastic Syndromes, Hereditary; Tumor predisposition; Hereditary Cancer Syndrome. Identifiers: Orphanet 140162, MedGen C0027672, MeSH D009386, MONDO:0015356.
Neurofibromatosis, type 1 (NF1). Also called: VON RECKLINGHAUSEN DISEASE; Peripheral type neurofibromatosis; NEUROFIBROMATOSIS, TYPE I, SOMATIC; Neurofibromatosis, type I. Identifiers: Orphanet 636, MedGen C0027831, MONDO:0018975, OMIM 162200. Disease mechanism: loss of function.

Allele frequency attached by ClinVar (database versions not stated): gnomAD exomes below 0.00001.
gnomAD v4.1: 5 of 1,614,160 alleles (0.00031%); highest among the groups gnomAD compares: Non-Finnish European, 0.00042%; no homozygotes.

Submissions (2):

Labcorp Genetics (formerly Invitae), Labcorp
Classification: Uncertain significance for Neurofibromatosis, type 1. Last evaluated: 2025-04-22. Review status: criteria provided, single submitter. Criteria: Invitae Variant Classification Sherloc (09022015). Collection method: clinical testing. Allele origin: germline.
Comment: This sequence change replaces serine, which is neutral and polar, with leucine, which is neutral and non-polar, at codon 2288 of the NF1 protein (p.Ser2288Leu). This variant is not present in population databases (gnomAD no frequency). This variant has not been reported in the literature in individuals affected with NF1-related conditions. ClinVar contains an entry for this variant (Variation ID: 484105). Invitae Evidence Modeling of protein sequence and biophysical properties (such as structural, functional, and spatial information, amino acid conservation, physicochemical variation, residue mobility, and thermodynamic stability) has been performed for this missense variant. However, the output from this modeling did not meet the statistical confidence thresholds required to predict the impact of this variant on NF1 protein function. In summary, the available evidence is currently insufficient to determine the role of this variant in disease. Therefore, it has been classified as a Variant of Uncertain Significance.

Ambry Genetics
Classification: Uncertain significance for Cardiovascular phenotype; Hereditary cancer-predisposing syndrome. Last evaluated: 2022-04-14. Review status: criteria provided, single submitter. Criteria: Ambry Variant Classification Scheme 2023. Collection method: clinical testing. Allele origin: germline.
Comment: The p.S2288L variant (also known as c.6863C>T), located in coding exon 46 of the NF1 gene, results from a C to T substitution at nucleotide position 6863. The serine at codon 2288 is replaced by leucine, an amino acid with dissimilar properties. This amino acid position is highly conserved in available vertebrate species. In addition, the in silico prediction for this alteration is inconclusive. Since supporting evidence is limited at this time, the clinical significance of this alteration remains unclear.

NM_001042492.3(NF1):c.6926C>T (p.Ser2309Leu)

Gene: NF1 (neurofibromin 1; plus strand). Cytogenetic location: 17q11.2.
Variant type: single nucleotide variant.
Coding change: c.6926C>T on transcript NM_001042492.3 (MANE Select); coding-DNA position 6926, C replaced by T.
Protein change: p.Ser2309Leu; replaces serine 2309 with leucine.
Molecular consequence: missense variant.
Genome position (GRCh38, 1-based): chr17:31,340,509, C>T. VCF-style: chr17-31340509-C-T. GRCh37 (hg19) VCF-style: chr17-29667527-C-T.
Other names: c.6863C>T, p.Ser2288Leu (NM_000267.4); short protein forms S2309L, S2288L.
Identifiers: ClinVar variation 484105 (VCV000484105.9), dbSNP rs1555535159, ClinGen allele CA399014852.